The following is an entry in ClinVar:

NM_006231.4(POLE):c.662T>C (p.Met221Thr)

Gene: POLE (DNA polymerase epsilon, catalytic subunit; minus strand). Cytogenetic location: 12q24.33.
Variant type: single nucleotide variant.
Coding change: c.662T>C on transcript NM_006231.4 (MANE Select); coding-DNA position 662, T replaced by C.
Protein change: p.Met221Thr; replaces methionine 221 with threonine.
Molecular consequence: missense variant.
Genome position (GRCh38, 1-based): chr12:132,677,636, A>G on the plus strand (T>C on the coding strand, the complement: POLE is on the minus strand). VCF-style: chr12-132677636-A-G. GRCh37 (hg19) VCF-style: chr12-133254222-A-G.
Other names: short protein forms M221T.
Identifiers: ClinVar variation 405656 (VCV000405656.19), dbSNP rs755607944, ClinGen allele CA6894247.

ClinVar aggregate classification (germline): Uncertain significance. Review status: criteria provided, multiple submitters, no conflicts (2 of 4 stars). 3 submissions from 3 submitters: Uncertain significance (3). Last evaluated 2025-12-24.

Conditions:
Hereditary cancer-predisposing syndrome. Also called: Hereditary Cancer Syndrome; Hereditary neoplastic syndrome; Neoplastic Syndromes, Hereditary; Tumor predisposition. Identifiers: Orphanet 140162, MedGen C0027672, MeSH D009386, MONDO:0015356.

Allele frequency attached by ClinVar (database versions not stated): gnomAD exomes below 0.00001 and 0.00001; ExAC 0.00001; gnomAD 0.00001; TOPMed 0.00003.
gnomAD v4.1: 12 of 1,614,046 alleles (0.00074%); highest among the groups gnomAD compares: Non-Finnish European, 0.001%; no homozygotes.

Submissions (3):

Labcorp Genetics (formerly Invitae), Labcorp
Classification: Uncertain significance. Last evaluated: 2025-12-24. Review status: criteria provided, single submitter. Criteria: Invitae Variant Classification Sherloc (09022015). Collection method: clinical testing. Allele origin: germline.
Comment: This sequence change replaces methionine, which is neutral and non-polar, with threonine, which is neutral and polar, at codon 221 of the POLE protein (p.Met221Thr). This variant is present in population databases (rs755607944, gnomAD 0.0009%). This variant has not been reported in the literature in individuals affected with POLE-related conditions. ClinVar contains an entry for this variant (Variation ID: 405656). Invitae Evidence Modeling of protein sequence and biophysical properties (such as structural, functional, and spatial information, amino acid conservation, physicochemical variation, residue mobility, and thermodynamic stability) indicates that this missense variant is not expected to disrupt POLE protein function with a negative predictive value of 80%. In summary, the available evidence is currently insufficient to determine the role of this variant in disease. Therefore, it has been classified as a Variant of Uncertain Significance.

Ambry Genetics
Classification: Uncertain significance for Hereditary cancer-predisposing syndrome. Last evaluated: 2025-03-26. Review status: criteria provided, single submitter. Criteria: Ambry Variant Classification Scheme 2023. Collection method: clinical testing. Allele origin: germline.
Comment: The p.M221T variant (also known as c.662T>C), located in coding exon 7 of the POLE gene, results from a T to C substitution at nucleotide position 662. The methionine at codon 221 is replaced by threonine, an amino acid with similar properties. This amino acid position is highly conserved in available vertebrate species. In addition, the in silico prediction for this alteration is inconclusive. Based on the available evidence, the clinical significance of this variant remains unclear.

GeneDx
Classification: Uncertain significance. Last evaluated: 2024-03-14. Review status: criteria provided, single submitter. Criteria: GeneDx Variant Classification Process June 2021. Collection method: clinical testing. Allele origin: germline. Affected: yes.
Comment: Not observed at significant frequency in large population cohorts (gnomAD); In silico analysis supports that this missense variant has a deleterious effect on protein structure/function; Has not been previously published as a germline pathogenic or benign variant to our knowledge; This variant is associated with the following publications: (PMID: 29056344)